The following is an entry in ClinVar:

ClinVar aggregate classification (germline): Conflicting classifications of pathogenicity. Review status: criteria provided, conflicting classifications (1 of 4 stars). 7 submissions from 7 submitters: Uncertain significance (5); Likely benign (1). 1 of the submissions does not count toward it. Last evaluated 2025-05-11.

Conditions:
BRCA2-related disorder. Also called: BRCA2-related condition; BRCA2-related disorders. Identifiers: MedGen CN239275.
Hereditary breast ovarian cancer syndrome. Also called: Breast and ovarian cancer; Hereditary breast and ovarian cancer; BRCA1- and BRCA2-Associated Hereditary Breast and Ovarian Cancer; Hereditary breast and/or ovarian cancer syndrome; Hereditary breast and ovarian cancer syndrome; Hereditary breast and ovarian cancer syndrome (HBOC). Identifiers: Orphanet 145, MedGen C0677776, MeSH D061325, MONDO:0003582. Disease mechanism: loss of function.
Hereditary cancer-predisposing syndrome. Also called: Hereditary neoplastic syndrome; Hereditary Cancer Syndrome; Tumor predisposition; Neoplastic Syndromes, Hereditary. Identifiers: Orphanet 140162, MedGen C0027672, MeSH D009386, MONDO:0015356.

Submissions (7):

Ambry Genetics
Classification: Uncertain significance for Hereditary cancer-predisposing syndrome. Last evaluated: 2025-05-11. Review status: criteria provided, single submitter. Criteria: Ambry Variant Classification Scheme 2023. Collection method: clinical testing. Allele origin: germline.
Comment: The p.D301N variant (also known as c.901G>A), located in coding exon 9 of the BRCA2 gene, results from a G to A substitution at nucleotide position 901. The aspartic acid at codon 301 is replaced by asparagine, an amino acid with highly similar properties. This amino acid position is not well conserved in available vertebrate species. In addition, this alteration is predicted to be tolerated by in silico analysis. Since supporting evidence is limited at this time, the clinical significance of this alteration remains unclear.

Labcorp Genetics (formerly Invitae), Labcorp
Classification: Uncertain significance for Hereditary breast ovarian cancer syndrome. Last evaluated: 2025-04-14. Review status: criteria provided, single submitter. Criteria: Invitae Variant Classification Sherloc (09022015). Collection method: clinical testing. Allele origin: germline.
Comment: This sequence change replaces aspartic acid, which is acidic and polar, with asparagine, which is neutral and polar, at codon 301 of the BRCA2 protein (p.Asp301Asn). This variant is not present in population databases (gnomAD no frequency). This variant has not been reported in the literature in individuals affected with BRCA2-related conditions. ClinVar contains an entry for this variant (Variation ID: 439015). Invitae Evidence Modeling of protein sequence and biophysical properties (such as structural, functional, and spatial information, amino acid conservation, physicochemical variation, residue mobility, and thermodynamic stability) indicates that this missense variant is not expected to disrupt BRCA2 protein function with a negative predictive value of 95%. In summary, the available evidence is currently insufficient to determine the role of this variant in disease. Therefore, it has been classified as a Variant of Uncertain Significance.

Color Diagnostics, LLC DBA Color Health
Classification: Uncertain significance for Hereditary cancer-predisposing syndrome. Last evaluated: 2025-04-07. Review status: criteria provided, single submitter. Criteria: ACMG Guidelines, 2015. Collection method: clinical testing. Allele origin: germline.
Comment: This missense variant replaces aspartic acid with asparagine at codon 301 of the BRCA2 protein. Computational prediction suggests that this variant may not impact protein structure and function. To our knowledge, functional studies have not been reported for this variant. This variant has been detected in a breast cancer case-control meta-analysis in 1/60466 cases and 0/53461 unaffected individuals (PMID: 33471991; Leiden Open Variation Database DB-ID BRCA2_007772). This variant has been reported in an individual affected with breast cancer (PMID: 38709234). This variant has not been identified in the general population by the Genome Aggregation Database (gnomAD). The available evidence is insufficient to determine the role of this variant in disease conclusively. Therefore, this variant is classified as a Variant of Uncertain Significance.

University of Washington Department of Laboratory Medicine, University of Washington
Classification: Likely benign for Hereditary cancer-predisposing syndrome. Last evaluated: 2023-03-23. Review status: criteria provided, single submitter. Criteria: Dines et al. (Genet Med. 2020). Collection method: curation. Allele origin: germline.
Comment: Missense variant in a coldspot region where missense variants are very unlikely to be pathogenic (PMID:31911673).

BRCA2 exon 10 coldspot. Reclassification based on statistical prior probability.

Women's Health and Genetics/Laboratory Corporation of America, LabCorp
Classification: Uncertain significance. Last evaluated: 2023-03-21. Review status: criteria provided, single submitter. Criteria: LabCorp Variant Classification Summary - May 2015. Collection method: clinical testing. Allele origin: germline.

Quest Diagnostics Nichols Institute San Juan Capistrano
Classification: Uncertain significance. Last evaluated: 2016-10-24. Review status: criteria provided, single submitter. Criteria: Quest Diagnostics criteria. Collection method: clinical testing. Allele origin: germline.

PreventionGenetics, part of Exact Sciences
Classification: Uncertain significance for BRCA2-related condition. Last evaluated: 2024-06-27. Review status: no assertion criteria provided. Collection method: clinical testing. Allele origin: germline. Not counted in ClinVar's aggregate classification.
Comment: The BRCA2 c.901G>A variant is predicted to result in the amino acid substitution p.Asp301Asn. To our knowledge, this variant has not been reported in the literature or in a large population database, indicating this variant is rare. In ClinVar, this variant is interpreted as uncertain significance by majority of the submitters in ClinVar. Of note, alternative substitutions at the same amino acid (p.Asp301Tyr and p.Asp301Gly) have been reported in association with colorectal cancer, breast and ovarian cancer (Human Gene Mutation Database). At this time, the clinical significance of this variant is uncertain due to the absence of conclusive functional and genetic evidence.

Literature cited by the submitters: PubMed 33471991 (cited by Color Diagnostics, LLC DBA Color Health); PubMed 38709234 (cited by Color Diagnostics, LLC DBA Color Health).

NM_000059.4(BRCA2):c.901G>A (p.Asp301Asn)

Gene: BRCA2 (BRCA2 DNA repair associated; plus strand). Cytogenetic location: 13q13.1.
Variant type: single nucleotide variant.
Coding change: c.901G>A on transcript NM_000059.4 (MANE Select); coding-DNA position 901, G replaced by A.
Protein change: p.Asp301Asn; replaces aspartic acid 301 with asparagine.
Molecular consequence: missense variant.
Genome position (GRCh38, 1-based): chr13:32,332,379, G>A. VCF-style: chr13-32332379-G-A. GRCh37 (hg19) VCF-style: chr13-32906516-G-A.
Other names: short protein forms D301N.
Identifiers: ClinVar variation 439015 (VCV000439015.16), dbSNP rs1555281626, ClinGen allele CA387760679.